The following is an entry in ClinVar:

NM_014141.6(CNTNAP2):c.1295G>T (p.Gly432Val)

Gene: CNTNAP2 (contactin associated protein 2; plus strand). Cytogenetic location: 7q35.
Variant type: single nucleotide variant.
Coding change: c.1295G>T on transcript NM_014141.6 (MANE Select); coding-DNA position 1295, G replaced by T.
Protein change: p.Gly432Val; replaces glycine 432 with valine.
Molecular consequence: missense variant.
Genome position (GRCh38, 1-based): chr7:147,132,456, G>T. VCF-style: chr7-147132456-G-T. GRCh37 (hg19) VCF-style: chr7-146829548-G-T.
Other names: short protein forms G432V.
Identifiers: ClinVar variation 1017906 (VCV001017906.11), dbSNP rs750991896, ClinGen allele CA4546018.

ClinVar aggregate classification (germline): Uncertain significance (1 of 4 stars; one submission).

Conditions:
Cortical dysplasia-focal epilepsy syndrome (PTHSL1). Also called: Pitt-Hopkins-like syndrome 1. Identifiers: Orphanet 163681, Orphanet 221150, MedGen C2750246, MONDO:0012400, OMIM 610042.

Allele frequency attached by ClinVar (database versions not stated): ExAC 0.00001; gnomAD exomes 0.00001.
gnomAD v4.1: 3 of 1,613,646 alleles (0.00019%); highest among the groups gnomAD compares: Admixed American, 0.0017%; no homozygotes.

Submission:

Labcorp Genetics (formerly Invitae), Labcorp
Classification: Uncertain significance for Cortical dysplasia-focal epilepsy syndrome. Last evaluated: 2022-11-29. Review status: criteria provided, single submitter. Criteria: Invitae Variant Classification Sherloc (09022015). Collection method: clinical testing. Allele origin: germline.
Comment: In summary, the available evidence is currently insufficient to determine the role of this variant in disease. Therefore, it has been classified as a Variant of Uncertain Significance. Algorithms developed to predict the effect of missense changes on protein structure and function (SIFT, PolyPhen-2, Align-GVGD) all suggest that this variant is likely to be tolerated. ClinVar contains an entry for this variant (Variation ID: 1017906). This variant has not been reported in the literature in individuals affected with CNTNAP2-related conditions. This variant is present in population databases (rs750991896, gnomAD 0.002%). This sequence change replaces glycine, which is neutral and non-polar, with valine, which is neutral and non-polar, at codon 432 of the CNTNAP2 protein (p.Gly432Val).